The following is an entry in ClinVar:

NM_182961.4(SYNE1):c.22663C>T (p.Arg7555Trp)

Gene: SYNE1 (spectrin repeat containing nuclear envelope protein 1; minus strand). Cytogenetic location: 6q25.2.
Variant type: single nucleotide variant.
Coding change: c.22663C>T on transcript NM_182961.4 (MANE Select); coding-DNA position 22663, C replaced by T.
Protein change: p.Arg7555Trp; replaces arginine 7555 with tryptophan.
Molecular consequence: missense variant.
Genome position (GRCh38, 1-based): chr6:152,208,133, G>A on the plus strand (C>T on the coding strand, the complement: SYNE1 is on the minus strand). VCF-style: chr6-152208133-G-A. GRCh37 (hg19) VCF-style: chr6-152529268-G-A.
Other names: c.22450C>T, p.Arg7484Trp (NM_033071.5); short protein forms R7484W, R7555W.
Identifiers: ClinVar variation 448582 (VCV000448582.8), dbSNP rs755302191, ClinGen allele CA4053821.

ClinVar aggregate classification (germline): Uncertain significance. Review status: criteria provided, multiple submitters, no conflicts (2 of 4 stars). 2 submissions from 2 submitters: Uncertain significance (2). Last evaluated 2020-10-21.

Conditions:
Emery-Dreifuss muscular dystrophy 4, autosomal dominant (EDMD4). Also called: EMERY-DREIFUSS MUSCULAR DYSTROPHY 4 WITH VARIABLE FEATURES. Identifiers: Orphanet 261, MedGen C2751807, MONDO:0013071, OMIM 612998.
Autosomal recessive ataxia, Beauce type. Also called: Spinocerebellar ataxia, autosomal recessive 8; ATAXIA, RECESSIVE, OF BEAUCE; SYNE1-Related Autosomal Recessive Cerebellar Ataxia; SYNE1 Deficiency. Identifiers: Orphanet 88644, MedGen C1853116, MONDO:0012549, OMIM 610743.

Allele frequency attached by ClinVar (database versions not stated): ExAC 0.00002; gnomAD exomes 0.00002; gnomAD 0.00003.
gnomAD v4.1: 30 of 1,613,884 alleles (0.0019%); highest among the groups gnomAD compares: South Asian, 0.0044%; no homozygotes.

Submissions (2):

Labcorp Genetics (formerly Invitae), Labcorp
Classification: Uncertain significance for Emery-Dreifuss muscular dystrophy 4, autosomal dominant; Autosomal recessive ataxia, Beauce type. Last evaluated: 2020-10-21. Review status: criteria provided, single submitter. Criteria: Invitae Variant Classification Sherloc (09022015). Collection method: clinical testing. Allele origin: germline.
Comment: Algorithms developed to predict the effect of sequence changes on RNA splicing suggest that this variant may create or strengthen a splice site, but this prediction has not been confirmed by published transcriptional studies. Algorithms developed to predict the effect of missense changes on protein structure and function (SIFT, PolyPhen-2, Align-GVGD) all suggest that this variant is likely to be disruptive, but these predictions have not been confirmed by published functional studies and their clinical significance is uncertain. This variant has not been reported in the literature in individuals with SYNE1-related conditions. ClinVar contains an entry for this variant (Variation ID: 448582). This variant is present in population databases (rs755302191, ExAC 0.006%). This sequence change replaces arginine with tryptophan at codon 7484 of the SYNE1 protein (p.Arg7484Trp). The arginine residue is highly conserved and there is a moderate physicochemical difference between arginine and tryptophan. In summary, the available evidence is currently insufficient to determine the role of this variant in disease. Therefore, it has been classified as a Variant of Uncertain Significance.

Athena Diagnostics
Classification: Uncertain significance. Last evaluated: 2016-08-23. Review status: criteria provided, single submitter. Criteria: Athena Diagnostics Criteria. Collection method: clinical testing. Allele origin: germline.